The following is an entry in ClinVar:

ClinVar aggregate classification (germline): Uncertain significance. Review status: criteria provided, multiple submitters, no conflicts (2 of 4 stars). 2 submissions from 2 submitters: Uncertain significance (2). Last evaluated 2025-03-22.

Conditions:
Hereditary cancer-predisposing syndrome. Also called: Tumor predisposition; Hereditary Cancer Syndrome; Hereditary neoplastic syndrome; Neoplastic Syndromes, Hereditary. Identifiers: Orphanet 140162, MedGen C0027672, MeSH D009386, MONDO:0015356.
Familial cancer of breast. Also called: BREAST CANCER, FAMILIAL; Hereditary breast cancer; hereditary breast carcinoma. Identifiers: Orphanet 227535, MedGen C0346153, MONDO:0016419, OMIM 114480. Disease mechanism: loss of function.

Submissions (2):

Ambry Genetics
Classification: Uncertain significance for Hereditary cancer-predisposing syndrome. Last evaluated: 2025-03-22. Review status: criteria provided, single submitter. Criteria: Ambry Variant Classification Scheme 2023. Collection method: clinical testing. Allele origin: germline.
Comment: The p.V298L variant (also known as c.892G>C), located in coding exon 4 of the PALB2 gene, results from a G to C substitution at nucleotide position 892. The valine at codon 298 is replaced by leucine, an amino acid with highly similar properties. This amino acid position is conserved. In addition, this alteration is predicted to be tolerated by in silico analysis. Based on the available evidence, the clinical significance of this variant remains unclear.

Labcorp Genetics (formerly Invitae), Labcorp
Classification: Uncertain significance for Familial cancer of breast. Last evaluated: 2021-09-01. Review status: criteria provided, single submitter. Criteria: Invitae Variant Classification Sherloc (09022015). Collection method: clinical testing. Allele origin: germline.
Comment: This sequence change replaces valine with leucine at codon 298 of the PALB2 protein (p.Val298Leu). The valine residue is weakly conserved and there is a small physicochemical difference between valine and leucine. This variant is not present in population databases (ExAC no frequency). This variant has not been reported in the literature in individuals affected with PALB2-related conditions. Algorithms developed to predict the effect of missense changes on protein structure and function (SIFT, PolyPhen-2, Align-GVGD) all suggest that this variant is likely to be tolerated. In summary, the available evidence is currently insufficient to determine the role of this variant in disease. Therefore, it has been classified as a Variant of Uncertain Significance.

NM_024675.4(PALB2):c.892G>C (p.Val298Leu)

Gene: PALB2 (partner and localizer of BRCA2; minus strand). Cytogenetic location: 16p12.2.
Variant type: single nucleotide variant.
Coding change: c.892G>C on transcript NM_024675.4 (MANE Select); coding-DNA position 892, G replaced by C.
Protein change: p.Val298Leu; replaces valine 298 with leucine.
Molecular consequence: missense variant.
Genome position (GRCh38, 1-based): chr16:23,635,654, C>G on the plus strand (G>C on the coding strand, the complement: PALB2 is on the minus strand). VCF-style: chr16-23635654-C-G. GRCh37 (hg19) VCF-style: chr16-23646975-C-G.
Other names: short protein forms V298L.
Identifiers: ClinVar variation 410153 (VCV000410153.8), dbSNP rs1060502765, ClinGen allele CA16615105.